The following is an entry in ClinVar:

ClinVar aggregate classification (germline): Likely benign. Review status: criteria provided, multiple submitters, no conflicts (2 of 4 stars). 3 submissions from 3 submitters: Likely benign (2). 1 of the submissions does not count toward it. Last evaluated 2022-07-01.

Conditions:
CDK16-related disorder. Also called: CDK16-related condition.

Allele frequency attached by ClinVar (database versions not stated): gnomAD exomes below 0.00001; ExAC 0.00003; gnomAD 0.00004; 1000 Genomes Project 30x 0.00062; 1000 Genomes Project 0.00079.
gnomAD v4.1: 11 of 1,203,003 alleles (0.00091%); highest among the groups gnomAD compares: Middle Eastern, 0.023%; no homozygotes.

Submissions (3):

CeGaT Center for Human Genetics Tuebingen
Classification: Likely benign. Last evaluated: 2022-07-01. Review status: criteria provided, single submitter. Criteria: CeGaT Center For Human Genetics Tuebingen Variant Classification Criteria Version 2. Collection method: clinical testing. Allele origin: germline. Affected: yes. Observed: 1 variant allele.
Comment: CDK16: BP4, BP7

Blueprint Genetics
Classification: Likely benign. Last evaluated: 2021-11-11. Review status: criteria provided, single submitter. Criteria: ACMG Guidelines, 2015. Collection method: clinical testing. Allele origin: germline.

PreventionGenetics, part of Exact Sciences
Classification: Likely benign for CDK16-related condition. Last evaluated: 2019-07-01. Review status: no assertion criteria provided. Collection method: clinical testing. Allele origin: germline. Not counted in ClinVar's aggregate classification.
Comment: This variant is classified as likely benign based on ACMG/AMP sequence variant interpretation guidelines (Richards et al. 2015 PMID: 25741868, with internal and published modifications).

NM_006201.5(CDK16):c.1041T>C (p.Gly347=)

Gene: CDK16 (cyclin dependent kinase 16; plus strand). Cytogenetic location: Xp11.3.
Variant type: single nucleotide variant.
Coding change: c.1041T>C on transcript NM_006201.5 (MANE Select); coding-DNA position 1041, T replaced by C.
Protein change: p.Gly347=; no amino-acid change (glycine 347 retained).
Molecular consequence: synonymous variant.
Genome position (GRCh38, 1-based): chrX:47,226,815, T>C. VCF-style: chrX-47226815-T-C. GRCh37 (hg19) VCF-style: chrX-47086214-T-C.
Other names: c.1263T>C, p.Gly421= (NM_001170460.2); c.1059T>C, p.Gly353= (NM_033018.4); c.1263T>C (NM_001170460.1).
Identifiers: ClinVar variation 2660414 (VCV002660414.26), dbSNP rs145164365, ClinGen allele CA10396565.